The following is an entry in ClinVar:

NM_000426.4(LAMA2):c.716G>A (p.Arg239His)

Gene: LAMA2 (laminin subunit alpha 2; plus strand). Cytogenetic location: 6q22.33.
Variant type: single nucleotide variant.
Coding change: c.716G>A on transcript NM_000426.4 (MANE Select); coding-DNA position 716, G replaced by A.
Protein change: p.Arg239His; replaces arginine 239 with histidine.
Molecular consequence: missense variant.
Genome position (GRCh38, 1-based): chr6:129,143,977, G>A. VCF-style: chr6-129143977-G-A. GRCh37 (hg19) VCF-style: chr6-129465122-G-A.
Other names: c.716G>A, p.Arg239His (NM_001079823.2); short protein forms R239H.
Identifiers: ClinVar variation 641637 (VCV000641637.12), dbSNP rs776777494, ClinGen allele CA3992408.
Genomic context (GRCh38, chr6:129,143,977, plus strand): 5'-TCAATGGGAGACCAAGTGCCGATGATCCTTCTCCAGAACTGCTAGAATTTACCTCCGCTC[G>A]CTATATTCGCCTGAGATTTCAGAGGATCCGCACACTGAATGCTGACTTGATGATGTTTGC-3'
Protein context (NP_000417.3, residues 229-249): SPELLEFTSA[Arg239His]YIRLRFQRIR

ClinVar aggregate classification (germline): Uncertain significance. Review status: criteria provided, multiple submitters, no conflicts (2 of 4 stars). 6 submissions from 6 submitters: Uncertain significance (6). Last evaluated 2025-03-27.

Conditions:
Merosin deficient congenital muscular dystrophy (MDC1A). Also called: Congenital merosin-deficient muscular dystrophy 1A; Congenital Muscular Dystrophy Type 1A (MDC1A). Identifiers: Orphanet 258, MedGen C1263858, MONDO:0011925, OMIM 607855.
Muscular dystrophy, limb-girdle, autosomal recessive 23. Identifiers: Orphanet 565837, MedGen C4748327, MONDO:0029136, OMIM 618138.
Congenital muscular dystrophy due to partial LAMA2 deficiency. Identifiers: MedGen C1842898.
LAMA2-related muscular dystrophy (LAMA2-RD). Also called: Laminin alpha 2-related dystrophy. Identifiers: MedGen C5679788, MONDO:0100228.

Allele frequency attached by ClinVar (database versions not stated): gnomAD 0.00001 and 0.00002; TOPMed 0.00003.
gnomAD v4.1: 69 of 1,612,034 alleles (0.0043%); highest among the groups gnomAD compares: East Asian, 0.062%; no homozygotes.

Submissions (6):

GeneDx
Classification: Uncertain significance. Last evaluated: 2025-03-27. Review status: criteria provided, single submitter. Criteria: GeneDx Variant Classification Process June 2021. Collection method: clinical testing. Allele origin: germline. Affected: yes.
Comment: Not observed at significant frequency in large population cohorts (gnomAD); In silico analysis supports that this missense variant has a deleterious effect on protein structure/function; Has not been previously published as pathogenic or benign to our knowledge

Labcorp Genetics (formerly Invitae), Labcorp
Classification: Uncertain significance for LAMA2-related muscular dystrophy. Last evaluated: 2022-08-30. Review status: criteria provided, single submitter. Criteria: Invitae Variant Classification Sherloc (09022015). Collection method: clinical testing. Allele origin: germline.
Comment: This sequence change replaces arginine, which is basic and polar, with histidine, which is basic and polar, at codon 239 of the LAMA2 protein (p.Arg239His). This variant is present in population databases (rs776777494, gnomAD 0.01%). This variant has not been reported in the literature in individuals affected with LAMA2-related conditions. ClinVar contains an entry for this variant (Variation ID: 641637). Advanced modeling of protein sequence and biophysical properties (such as structural, functional, and spatial information, amino acid conservation, physicochemical variation, residue mobility, and thermodynamic stability) performed at Invitae indicates that this missense variant is not expected to disrupt LAMA2 protein function. In summary, the available evidence is currently insufficient to determine the role of this variant in disease. Therefore, it has been classified as a Variant of Uncertain Significance.

New York Genome Center
Classification: Uncertain significance for Merosin deficient congenital muscular dystrophy; Muscular dystrophy, limb-girdle, autosomal recessive 23. Last evaluated: 2021-04-10. Review status: criteria provided, single submitter. Criteria: NYGC Assertion Criteria 2020. Collection method: clinical testing. Allele origin: inherited. Observed: 1 variant allele. Study: CSER-NYCKidSeq.
Comment: The inherited c.716G>A (p.Arg239His)variant in exon 5 of 65 of LAMA2 has not been reported in affected individuals in the available literature. This variant is present in gnomADv3 at a low frequency (3/151836 heterozygotes, allele frequency =0.00001976, no homozygotes), suggesting it is not a common benign variant in the populations represented in this database. In silico predictors suggest this variant is Damaging (Provean score: -4.68, SIFT score: 0.001). This variant has been reported in Clinvar as a variant of uncertain significance (Variation ID:641637). Given the current evidence regarding its pathogenicity, the inherited c.716G>A (p.Arg239His) variant identified in the LAMA2 gene is classified as a Variant of uncertain significance.

Revvity Omics, Revvity
Classification: Uncertain significance. Last evaluated: 2019-11-08. Review status: criteria provided, single submitter. Criteria: ACMG Guidelines, 2015. Collection method: clinical testing. Allele origin: germline.

Illumina Laboratory Services, Illumina
Classification: Uncertain significance for Congenital muscular dystrophy due to partial LAMA2 deficiency. Last evaluated: 2018-01-13. Review status: criteria provided, single submitter. Criteria: ICSL Variant Classification Criteria 13 December 2019. Collection method: clinical testing. Allele origin: germline.

Breakthrough Genomics
Classification: Uncertain significance. Review status: criteria provided, single submitter. Criteria: ACMG Guidelines, 2015. Collection method: not provided. Allele origin: germline. Inheritance: Autosomal recessive inheritance. Affected: yes.